The following is an entry in ClinVar:

ClinVar aggregate classification (germline): Likely pathogenic. Review status: criteria provided, multiple submitters, no conflicts (2 of 4 stars). 2 submissions from 2 submitters: Likely pathogenic (2). Last evaluated 2025-09-10.

Conditions:
MHC class II deficiency. Also called: Bare lymphocyte syndrome 2; BLS, TYPE II. Identifiers: Orphanet 572, MedGen C5447452, MONDO:0008855.
RFX5-related disorder. Also called: RFX5-related condition.

Allele frequency attached by ClinVar (database versions not stated): gnomAD exomes below 0.00001; ExAC 0.00003; ESP Exome Variant Server 0.00008.

Submissions (2):

Labcorp Genetics (formerly Invitae), Labcorp
Classification: Likely pathogenic for MHC class II deficiency. Last evaluated: 2025-09-10. Review status: criteria provided, single submitter. Criteria: Invitae Variant Classification Sherloc (09022015). Collection method: clinical testing. Allele origin: germline.
Comment: This sequence change affects a donor splice site in intron 8 of the RFX5 gene. It is expected to disrupt RNA splicing. Variants that disrupt the donor or acceptor splice site typically lead to a loss of protein function (PMID: 16199547), and loss-of-function variants in RFX5 are known to be pathogenic (PMID: 7744245, 9401005, 10079298). This variant is present in population databases (rs367771361, gnomAD 0.007%). This variant has not been reported in the literature in individuals affected with RFX5-related conditions. ClinVar contains an entry for this variant (Variation ID: 2628863). Algorithms developed to predict the effect of sequence changes on RNA splicing suggest that this variant may disrupt the consensus splice site. In summary, the currently available evidence indicates that the variant is pathogenic, but additional data are needed to prove that conclusively. Therefore, this variant has been classified as Likely Pathogenic.

PreventionGenetics, part of Exact Sciences
Classification: Likely pathogenic for RFX5-related condition. Last evaluated: 2023-02-06. Review status: criteria provided, single submitter. Criteria: ACMG Guidelines, 2015. Collection method: clinical testing. Allele origin: germline.
Comment: The RFX5 c.555+1G>A variant is predicted to disrupt the GT donor site and interfere with normal splicing. To our knowledge, this variant has not been reported in the literature. This variant is reported in 0.0062% of alleles in individuals of African descent in gnomAD. Variants that disrupt the consensus splice donor site in RFX5 are expected to be pathogenic. This variant is interpreted as likely pathogenic.

Literature cited by the submitters: PubMed 16199547 (cited by Labcorp Genetics (formerly Invitae), Labcorp); PubMed 7744245 (cited by Labcorp Genetics (formerly Invitae), Labcorp); PubMed 9401005 (cited by Labcorp Genetics (formerly Invitae), Labcorp); PubMed 10079298 (cited by Labcorp Genetics (formerly Invitae), Labcorp).

NM_001025603.2(RFX5):c.555+1G>A

Gene: RFX5 (regulatory factor X5; minus strand). Cytogenetic location: 1q21.3.
Variant type: single nucleotide variant.
Coding change: c.555+1G>A on transcript NM_001025603.2 (MANE Select); the canonical splice donor site of the intron after coding-DNA position 555, G replaced by A.
Molecular consequence: splice donor variant.
Genome position (GRCh38, 1-based): chr1:151,344,196, C>T on the plus strand (G>A on the coding strand, the complement: RFX5 is on the minus strand). VCF-style: chr1-151344196-C-T. GRCh37 (hg19) VCF-style: chr1-151316672-C-T.
Other names: c.435+1G>A (NM_001379419.1, NM_001379420.1); c.555+1G>A (NM_000449.4, NM_001379413.1, NM_001379417.1 and 5 more transcripts).
Identifiers: ClinVar variation 2628863 (VCV002628863.3), dbSNP rs367771361, ClinGen allele CA1089803.